The following is an entry in ClinVar:

NM_022915.5(MRPL44):c.648+16T>C

Gene: MRPL44 (mitochondrial ribosomal protein L44; plus strand). Cytogenetic location: 2q36.1.
Variant type: single nucleotide variant.
Coding change: c.648+16T>C on transcript NM_022915.5 (MANE Select); 16 bases into the intron after coding-DNA position 648, T replaced by C.
Molecular consequence: intron variant.
Genome position (GRCh38, 1-based): chr2:223,960,018, T>C. VCF-style: chr2-223960018-T-C. GRCh37 (hg19) VCF-style: chr2-224824735-T-C.
Identifiers: ClinVar variation 379868 (VCV000379868.6), dbSNP rs778947471, ClinGen allele CA2139072.

ClinVar aggregate classification (germline): Likely benign. Review status: criteria provided, multiple submitters, no conflicts (2 of 4 stars). 3 submissions from 3 submitters: Likely benign (3). Last evaluated 2026-01-12.

Allele frequency attached by ClinVar (database versions not stated): gnomAD 0.00011 and 0.00012; gnomAD exomes 0.00011; TOPMed 0.00015; ExAC 0.00016.
gnomAD v4.1: 172 of 1,550,674 alleles (0.011%); highest among the groups gnomAD compares: Middle Eastern, 0.017%; 1 homozygote.

Submissions (3):

Labcorp Genetics (formerly Invitae), Labcorp
Classification: Likely benign. Last evaluated: 2026-01-12. Review status: criteria provided, single submitter. Criteria: Invitae Variant Classification Sherloc (09022015). Collection method: clinical testing. Allele origin: germline.

Blueprint Genetics
Classification: Likely benign. Last evaluated: 2024-11-14. Review status: criteria provided, single submitter. Criteria: ACMG Guidelines, 2015. Collection method: clinical testing. Allele origin: germline.

GeneDx
Classification: Likely benign. Last evaluated: 2016-11-10. Review status: criteria provided, single submitter. Criteria: GeneDx Variant Classification (06012015). Collection method: clinical testing. Allele origin: germline. Affected: yes.
Comment: This variant is considered likely benign or benign based on one or more of the following criteria: it is a conservative change, it occurs at a poorly conserved position in the protein, it is predicted to be benign by multiple in silico algorithms, and/or has population frequency not consistent with disease.